The following is an entry in ClinVar:

ClinVar aggregate classification (germline): Pathogenic (1 of 4 stars; one submission).

Submission:

Labcorp Genetics (formerly Invitae), Labcorp
Classification: Pathogenic. Last evaluated: 2021-04-04. Review status: criteria provided, single submitter. Criteria: Invitae Variant Classification Sherloc (09022015). Collection method: clinical testing. Allele origin: germline.
Comment: For these reasons, this variant has been classified as Pathogenic. This sequence change creates a premature translational stop signal (p.Asn296Ilefs*5) in the LCA5 gene. It is expected to result in an absent or disrupted protein product. Loss-of-function variants in LCA5 are known to be pathogenic (PMID: 17546029, 23946133). This variant is not present in population databases (ExAC no frequency). This variant has not been reported in the literature in individuals with LCA5-related conditions.

Literature cited by the submitters: PubMed 17546029; PubMed 23946133.

NM_001122769.3(LCA5):c.886_887insT (p.Asn296fs)

Gene: LCA5 (lebercilin LCA5; minus strand). Cytogenetic location: 6q14.1.
Variant type: Insertion.
Coding change: c.886_887insT on transcript NM_001122769.3 (MANE Select); coding-DNA positions 886 to 887, T inserted.
Protein change: p.Asn296fs; shifts the reading frame from asparagine 296.
Molecular consequence: frameshift variant.
Genome position: GRCh38 VCF-style: chr6-79492619-T-TA. GRCh37 (hg19) VCF-style: chr6-80202336-T-TA.
Other names: c.886_887insT, p.Asn296fs (NM_181714.4); short protein forms N296fs.
Identifiers: ClinVar variation 1423301 (VCV001423301.6), dbSNP rs2127669254, ClinGen allele CA2573141176.
Genomic context (GRCh38, chr6:79,492,619, plus strand): 5'-CTTAATGCAAGTTCTTTCTCTTTATTTGGAGAGGACTTTGGCAGACGATTAGAATATATA[T>TA]TTTTTATATCCAGTTCTCTCTCCTTTTCCTGAAAACAAACGCAATACAATTAAGGAAGTA-3'